The following is an entry in ClinVar:

NM_001384900.1(SEMA3D):c.1090G>A (p.Asp364Asn)

Gene: SEMA3D (semaphorin 3D; minus strand). Cytogenetic location: 7q21.11.
Variant type: single nucleotide variant.
Coding change: c.1090G>A on transcript NM_001384900.1 (MANE Select); coding-DNA position 1090, G replaced by A.
Protein change: p.Asp364Asn; replaces aspartic acid 364 with asparagine.
Molecular consequence: missense variant.
Genome position (GRCh38, 1-based): chr7:85,036,990, C>T on the plus strand (G>A on the coding strand, the complement: SEMA3D is on the minus strand). VCF-style: chr7-85036990-C-T. GRCh37 (hg19) VCF-style: chr7-84666306-C-T.
Other names: c.1090G>A, p.Asp364Asn (NM_001384901.1, NM_001384902.1, NM_001384903.1 and 1 more transcripts); short protein forms D364N.
Identifiers: ClinVar variation 5001529 (VCV005001529.1).

ClinVar aggregate classification (germline): Uncertain significance (1 of 4 stars; one submission).

Conditions:
SEMA3D-related disorder. Also called: SEMA3D-related condition.

gnomAD v4.1: 2 of 1,613,284 alleles (0.00012%); highest among the groups gnomAD compares: South Asian, 0.0011%; no homozygotes.

Submission:

PreventionGenetics, part of Exact Sciences
Classification: Uncertain significance for SEMA3D-related condition. Last evaluated: 2025-05-27. Review status: criteria provided, single submitter. Criteria: ACMG Guidelines, 2015. Collection method: clinical testing. Allele origin: germline.
Comment: The SEMA3D c.1090G>A variant is predicted to result in the amino acid substitution p.Asp364Asn. To our knowledge, this variant has not been reported in the literature or in a large population database (gnomAD), indicating this variant is rare. At this time, the clinical significance of this variant is uncertain due to the absence of conclusive functional and genetic evidence.